The following is an entry in ClinVar:

NM_003738.5(PTCH2):c.1681C>T (p.Arg561Cys)

Gene: PTCH2 (patched 2; minus strand). Cytogenetic location: 1p34.1.
Variant type: single nucleotide variant.
Coding change: c.1681C>T on transcript NM_003738.5 (MANE Select); coding-DNA position 1681, C replaced by T.
Protein change: p.Arg561Cys; replaces arginine 561 with cysteine.
Molecular consequence: missense variant.
Genome position (GRCh38, 1-based): chr1:44,828,324, G>A on the plus strand (C>T on the coding strand, the complement: PTCH2 is on the minus strand). VCF-style: chr1-44828324-G-A. GRCh37 (hg19) VCF-style: chr1-45293996-G-A.
Other names: c.1681C>T, p.Arg561Cys (NM_001166292.2); short protein forms R561C.
Identifiers: ClinVar variation 4749001 (VCV004749001.1).

ClinVar aggregate classification (germline): Uncertain significance (1 of 4 stars; one submission).

Conditions:
Gorlin syndrome. Also called: Nevoid Basal Cell Carcinoma Syndrome; Basal cell nevus syndrome. Identifiers: Orphanet 377, MedGen C0004779, MONDO:0007187.

gnomAD v4.1: 6 of 1,614,008 alleles (0.00037%); highest among the groups gnomAD compares: Non-Finnish European, 0.00034%; no homozygotes.

Submission:

Labcorp Genetics (formerly Invitae), Labcorp
Classification: Uncertain significance for Gorlin syndrome. Last evaluated: 2025-12-20. Review status: criteria provided, single submitter. Criteria: Invitae Variant Classification Sherloc (09022015). Collection method: clinical testing. Allele origin: germline.
Comment: This sequence change replaces arginine, which is basic and polar, with cysteine, which is neutral and slightly polar, at codon 561 of the PTCH2 protein (p.Arg561Cys). This variant is present in population databases (rs780531715, gnomAD 0.01%). This variant has not been reported in the literature in individuals affected with PTCH2-related conditions. Invitae Evidence Modeling of protein sequence and biophysical properties (such as structural, functional, and spatial information, amino acid conservation, physicochemical variation, residue mobility, and thermodynamic stability) has been performed for this missense variant. However, the output from this modeling did not meet the statistical confidence thresholds required to predict the impact of this variant on PTCH2 protein function. In summary, the available evidence is currently insufficient to determine the role of this variant in disease. Therefore, it has been classified as a Variant of Uncertain Significance.